The following is an entry in ClinVar:

ClinVar aggregate classification (germline): Uncertain significance. Review status: criteria provided, multiple submitters, no conflicts (2 of 4 stars). 3 submissions from 3 submitters: Uncertain significance (3). Last evaluated 2024-11-27.

Conditions:
Inborn genetic diseases. Identifiers: MedGen C0950123, MeSH D030342.

Allele frequency attached by ClinVar (database versions not stated): gnomAD exomes below 0.00001; ExAC 0.00002; gnomAD 0.00003; TOPMed 0.00003; ESP Exome Variant Server 0.00008; 1000 Genomes Project 30x 0.00016; 1000 Genomes Project 0.00020.
gnomAD v4.1: 15 of 1,614,170 alleles (0.00093%); highest among the groups gnomAD compares: African/African-American, 0.013%; no homozygotes.

Submissions (3):

Labcorp Genetics (formerly Invitae), Labcorp
Classification: Uncertain significance. Last evaluated: 2024-11-27. Review status: criteria provided, single submitter. Criteria: Invitae Variant Classification Sherloc (09022015). Collection method: clinical testing. Allele origin: germline.
Comment: This sequence change replaces glycine, which is neutral and non-polar, with arginine, which is basic and polar, at codon 184 of the CDK5RAP2 protein (p.Gly184Arg). This variant is present in population databases (rs202059795, gnomAD 0.02%). This variant has not been reported in the literature in individuals affected with CDK5RAP2-related conditions. ClinVar contains an entry for this variant (Variation ID: 2359436). An algorithm developed to predict the effect of missense changes on protein structure and function (PolyPhen-2) suggests that this variant is likely to be disruptive. In summary, the available evidence is currently insufficient to determine the role of this variant in disease. Therefore, it has been classified as a Variant of Uncertain Significance.

CeGaT Center for Human Genetics Tuebingen
Classification: Uncertain significance. Last evaluated: 2024-07-01. Review status: criteria provided, single submitter. Criteria: CeGaT Center For Human Genetics Tuebingen Variant Classification Criteria Version 2. Collection method: clinical testing. Allele origin: germline. Affected: yes. Observed: 1 variant allele.
Comment: CDK5RAP2: PM2:Supporting, BP4

Ambry Genetics
Classification: Uncertain significance for Inborn genetic diseases. Last evaluated: 2021-10-22. Review status: criteria provided, single submitter. Criteria: Ambry Variant Classification Scheme 2023. Collection method: clinical testing. Allele origin: germline.

NM_018249.6(CDK5RAP2):c.550G>A (p.Gly184Arg)

Gene: CDK5RAP2 (CDK5 regulatory subunit associated protein 2; minus strand). Cytogenetic location: 9q33.2.
Variant type: single nucleotide variant.
Coding change: c.550G>A on transcript NM_018249.6 (MANE Select); coding-DNA position 550, G replaced by A.
Protein change: p.Gly184Arg; replaces glycine 184 with arginine.
Molecular consequence: missense variant. On other transcripts: non-coding transcript variant (5).
Genome position (GRCh38, 1-based): chr9:120,536,484, C>T on the plus strand (G>A on the coding strand, the complement: CDK5RAP2 is on the minus strand). VCF-style: chr9-120536484-C-T. GRCh37 (hg19) VCF-style: chr9-123298762-C-T.
Other names: c.550G>A, p.Gly184Arg (NM_001011649.3, NM_001272039.2, NM_001410992.1 and 2 more transcripts); short protein forms G184R.
Identifiers: ClinVar variation 2359436 (VCV002359436.21), dbSNP rs202059795, ClinGen allele CA5214679.
Genomic context (GRCh38, chr9:120,536,484, plus strand): 5'-TCTTCATCTCTGAAAGCTTGCTTTCCAAACGCAACCGAAGAGCCTTCTCCGTCTCTGTCC[C>T]TGCAAAGGCCTTTTCCAGTTCTGCCTGGGCGGCTGTCACATCCTAGAGTCAAATTAAATG-3'
Protein context (NP_060719.4, residues 174-194): AQAELEKAFA[Gly184Arg]TETEKALRLR